The following is an entry in ClinVar:

ClinVar aggregate classification (germline): Uncertain significance (1 of 4 stars; one submission).

Conditions:
MPDZ-related disorder. Also called: MPDZ-related condition.

gnomAD v4.1: 1 of 1,604,628 alleles (0.000062%); no homozygotes.

Submission:

PreventionGenetics, part of Exact Sciences
Classification: Uncertain significance for MPDZ-related condition. Last evaluated: 2025-10-22. Review status: criteria provided, single submitter. Criteria: ACMG Guidelines, 2015. Collection method: clinical testing. Allele origin: germline.
Comment: The MPDZ c.2842A>G variant is predicted to result in the amino acid substitution p.Asn948Asp. To our knowledge, this variant has not been reported in the literature. This variant is reported in 0.0048% of alleles in individuals of European (Finnish) descent in gnomAD. At this time, the clinical significance of this variant is uncertain due to the absence of conclusive functional and genetic evidence.

NM_001378778.1(MPDZ):c.2842A>G (p.Asn948Asp)

Gene: MPDZ (multiple PDZ domain crumbs cell polarity complex component; minus strand). Cytogenetic location: 9p23.
Variant type: single nucleotide variant.
Coding change: c.2842A>G on transcript NM_001378778.1 (MANE Select); coding-DNA position 2842, A replaced by G.
Protein change: p.Asn948Asp; replaces asparagine 948 with aspartic acid.
Molecular consequence: missense variant.
Genome position (GRCh38, 1-based): chr9:13,176,225, T>C on the plus strand (A>G on the coding strand, the complement: MPDZ is on the minus strand). VCF-style: chr9-13176225-T-C. GRCh37 (hg19) VCF-style: chr9-13176224-T-C.
Other names: c.2842A>G, p.Asn948Asp (NM_001261406.2, NM_001261407.2, NM_001330637.2 and 14 more transcripts); short protein forms N948D.
Identifiers: ClinVar variation 4995738 (VCV004995738.1).
Genomic context (GRCh38, chr9:13,176,225, plus strand): 5'-GAAGTTCTGCACTTGATATAACTTCACTTGGTAAATGAGATTCAGTCCACACTATTGTGT[T>C]TTCACATTCATATTGTTGTTCAATAGCATTTGCAGGTGTGTAGTCATTTATAGTAAAGCC-3'
Protein context (NP_001365707.1, residues 938-958): NAIEQQYECE[Asn948Asp]TIVWTESHLP